The following is an entry in ClinVar:

NM_000113.3(TOR1A):c.999_*12del (p.Ter333TrpextTer?)

Gene: TOR1A (torsin family 1 member A; minus strand). Cytogenetic location: 9q34.11.
Variant type: Deletion.
Coding change: c.999_*12del on transcript NM_000113.3 (MANE Select); coding-DNA position 999 through 12 bases downstream of the stop codon, 13 bases deleted (ACAGTCATGATTG).
Protein change: p.Ter333TrpextTer?.
Molecular consequence: frameshift variant, stop lost.
Genome position (GRCh38, 1-based): chr9:129,813,960-129,813,972, CAATCATGACTGT deleted on the plus strand (ACAGTCATGATTG on the coding strand, the reverse complement: TOR1A is on the minus strand); deleting any 13 consecutive bases within chr9:129,813,960-129,813,979 gives the same sequence; the c. name uses the placement nearest the transcript's 3' end. VCF-style (leftmost placement, unchanged base first): chr9-129813959-CCAATCATGACTGT-C. GRCh37 (hg19) VCF-style: chr9-132576238-CCAATCATGACTGT-C.
Identifiers: ClinVar variation 2630971 (VCV002630971.2), dbSNP rs2490553606, ClinGen allele CA2695199414.

ClinVar aggregate classification (germline): Uncertain significance. Review status: criteria provided, multiple submitters, no conflicts (2 of 4 stars). 2 submissions from 2 submitters: Uncertain significance (2). Last evaluated 2023-10-20.

Conditions:
TOR1A-related disorder. Also called: TOR1A-related condition; TOR1A-related disorders.

Submissions (2):

GeneDx
Classification: Uncertain significance. Last evaluated: 2023-10-20. Review status: criteria provided, single submitter. Criteria: GeneDx Variant Classification Process June 2021. Collection method: clinical testing. Allele origin: germline. Affected: yes.
Comment: Not observed at significant frequency in large population cohorts (gnomAD); Stop codon loss and change to a Trp codon, leading to protein extension and the addition of 32 amino acids at the C-terminus; Has not been previously published as pathogenic or benign to our knowledge

PreventionGenetics, part of Exact Sciences
Classification: Uncertain significance for TOR1A-related condition. Last evaluated: 2023-08-27. Review status: criteria provided, single submitter. Criteria: ACMG Guidelines, 2015. Collection method: clinical testing. Allele origin: germline.
Comment: The TOR1A c.999_*12del13 variant is predicted to result in extension of the open reading frame (p.*333Trpext*32). To our knowledge, this variant has not been reported in the literature or in a large population database, indicating this variant is rare. At this time, the clinical significance of this variant is uncertain due to the absence of conclusive functional and genetic evidence.